The following is an entry in ClinVar:

ClinVar aggregate classification (germline): Uncertain significance (1 of 4 stars; one submission).

gnomAD v4.1: 4 of 1,605,636 alleles (0.00025%); highest among the groups gnomAD compares: Non-Finnish European, 0.00034%; no homozygotes.

Submission:

Labcorp Genetics (formerly Invitae), Labcorp
Classification: Uncertain significance. Last evaluated: 2025-09-25. Review status: criteria provided, single submitter. Criteria: Invitae Variant Classification Sherloc (09022015). Collection method: clinical testing. Allele origin: germline.
Comment: This sequence change affects an acceptor splice site in intron 4 of the RELB gene. It is expected to disrupt RNA splicing. Variants that disrupt the donor or acceptor splice site typically lead to a loss of protein function (PMID: 16199547), however the current clinical and genetic evidence is not sufficient to establish whether loss-of-function variants in RELB cause disease. This variant is present in population databases (no rsID available, gnomAD 0.0009%). This variant has not been reported in the literature in individuals affected with RELB-related conditions. Algorithms developed to predict the effect of sequence changes on RNA splicing suggest that this variant may disrupt the consensus splice site. In summary, the available evidence is currently insufficient to determine the role of this variant in disease. Therefore, it has been classified as a Variant of Uncertain Significance.

Literature cited by the submitters: PubMed 16199547.

NM_006509.4(RELB):c.505-2A>G

Gene: RELB (RELB proto-oncogene, NF-kB subunit; plus strand). Cytogenetic location: 19q13.32.
Variant type: single nucleotide variant.
Coding change: c.505-2A>G on transcript NM_006509.4 (MANE Select); the canonical splice acceptor site of the intron before coding-DNA position 505, A replaced by G.
Molecular consequence: splice acceptor variant.
Genome position (GRCh38, 1-based): chr19:45,022,051, A>G. VCF-style: chr19-45022051-A-G. GRCh37 (hg19) VCF-style: chr19-45525309-A-G.
Other names: c.496-2A>G (NM_001411087.1).
Identifiers: ClinVar variation 4779632 (VCV004779632.1).